The following is an entry in ClinVar:

ClinVar aggregate classification (germline): Uncertain significance (1 of 4 stars; one submission).

Allele frequency attached by ClinVar (database versions not stated): gnomAD 0.00001; gnomAD exomes 0.00002; ExAC 0.00010.

Submission:

Labcorp Genetics (formerly Invitae), Labcorp
Classification: Uncertain significance. Last evaluated: 2025-03-02. Review status: criteria provided, single submitter. Criteria: Invitae Variant Classification Sherloc (09022015). Collection method: clinical testing. Allele origin: germline.
Comment: This sequence change replaces glycine, which is neutral and non-polar, with serine, which is neutral and polar, at codon 127 of the NEFH protein (p.Gly127Ser). This variant is present in population databases (rs761501605, gnomAD 0.004%). This variant has not been reported in the literature in individuals affected with NEFH-related conditions. ClinVar contains an entry for this variant (Variation ID: 1516462). Invitae Evidence Modeling of protein sequence and biophysical properties (such as structural, functional, and spatial information, amino acid conservation, physicochemical variation, residue mobility, and thermodynamic stability) indicates that this missense variant is not expected to disrupt NEFH protein function with a negative predictive value of 95%. In summary, the available evidence is currently insufficient to determine the role of this variant in disease. Therefore, it has been classified as a Variant of Uncertain Significance.

NM_021076.4(NEFH):c.379G>A (p.Gly127Ser)

Gene: NEFH (neurofilament heavy chain; plus strand). Cytogenetic location: 22q12.2.
Variant type: single nucleotide variant.
Coding change: c.379G>A on transcript NM_021076.4 (MANE Select); coding-DNA position 379, G replaced by A.
Protein change: p.Gly127Ser; replaces glycine 127 with serine.
Molecular consequence: missense variant.
Genome position (GRCh38, 1-based): chr22:29,480,641, G>A. VCF-style: chr22-29480641-G-A. GRCh37 (hg19) VCF-style: chr22-29876630-G-A.
Other names: short protein forms G127S.
Identifiers: ClinVar variation 1516462 (VCV001516462.6), dbSNP rs761501605, ClinGen allele CA10174002.